The following is an entry in ClinVar:

NM_000202.8(IDS):c.470C>G (p.Pro157Arg)

Genes: IDS (iduronate 2-sulfatase; minus strand), LOC106050102 (IDS recombination region; plus strand). Cytogenetic location: Xq28.
Variant type: single nucleotide variant.
Coding change: c.470C>G on transcript NM_000202.8 (MANE Select); coding-DNA position 470, C replaced by G.
Protein change: p.Pro157Arg; replaces proline 157 with arginine.
Molecular consequence: missense variant. On other transcripts: non-coding transcript variant (1).
Genome position (GRCh38, 1-based): chrX:149,500,986, G>C on the plus strand (C>G on the coding strand, the complement: IDS is on the minus strand). VCF-style: chrX-149500986-G-C. GRCh37 (hg19) VCF-style: chrX-148582517-G-C.
Other names: p.Pro157Arg; c.200C>G, p.Pro67Arg (NM_001166550.4); c.470C>G, p.Pro157Arg (NM_006123.5); c.470C>G (NM_000202.4); short protein forms P157R, P67R.
Identifiers: ClinVar variation 1710491 (VCV001710491.3), dbSNP rs2520880779, ClinGen allele CA414523074.

ClinVar aggregate classification (germline): Uncertain significance. Review status: criteria provided, multiple submitters, no conflicts (2 of 4 stars). 2 submissions from 2 submitters: Uncertain significance (2). Last evaluated 2024-06-14.

Conditions:
Mucopolysaccharidosis, MPS-II (MPS2). Also called: IDS deficiency; Sulfoiduronate sulfatase deficiency; SIDS deficiency; Attenuated MPS (subtype; formerly known as mild MPS II); Severe MPS II; I2S deficiency. Identifiers: Orphanet 580, Orphanet 79388, MedGen C0026705, MONDO:0010674, OMIM 309900.

Submissions (2):

GeneDx
Classification: Uncertain significance. Last evaluated: 2024-06-14. Review status: criteria provided, single submitter. Criteria: GeneDx Variant Classification Process June 2021. Collection method: clinical testing. Allele origin: germline. Affected: yes.
Comment: Not observed at significant frequency in large population cohorts (gnomAD); In silico analysis supports that this missense variant has a deleterious effect on protein structure/function; Has not been previously published as pathogenic or benign to our knowledge

Foundation for Research in Genetics and Endocrinology, FRIGE's Institute of Human Genetics
Classification: Uncertain significance for Mucopolysaccharidosis, MPS-II. Last evaluated: 2022-07-02. Review status: criteria provided, single submitter. Criteria: ACMG Guidelines, 2015. Collection method: clinical testing. Allele origin: germline. Inheritance: X-linked recessive inheritance. Affected: yes. Observed: 1 hemizygote.
Comment: A Hemizygous missense variation in exon 4 of the IDS gene that results in the aminoacid substitution of Arginine for Proline at codon 157 was detected.The observed variant c.470C>G(p.Pro157Arg) has not been reported in the 1000 genomes and gnomAD database. The in silico prediction of the variant are possibly damaging by MutationTaster2. The reference codon is conserved across species.In summary, the variant meets our criteria to be classified as pathogenic.In summary, the variant meets our criteria to be classified as a variant of uncertain significance.Therefore, the variant meets our criteria to be classified as pathogenic based on absence from controls and in silico prediction models.